The following is an entry in ClinVar:

ClinVar aggregate classification (germline): Likely pathogenic. Review status: reviewed by expert panel (3 of 4 stars). 4 submissions from 3 submitters: Likely pathogenic (1). 3 of the submissions do not count toward it. Last evaluated 2024-11-26.

Conditions:
Usher syndrome type 1 (USH1). Also called: RETINITIS PIGMENTOSA AND CONGENITAL DEAFNESS. Identifiers: Orphanet 231169, Orphanet 886, MedGen C1568247, MONDO:0010168, OMIM 276900.
Usher syndrome. Also called: Usher's syndrome; Usher Syndromes. Identifiers: Orphanet 886, MedGen CN469326, MeSH D052245, MONDO:0019501. Disease mechanism: loss of function.
Retinal dystrophy. Also called: Inherited retinal dystrophy. Identifiers: Orphanet 71862, MedGen C0854723, MeSH D058499, MONDO:0019118, HP:0000556.

gnomAD v4.1: 1 of 1,614,004 alleles (0.000062%); highest among the groups gnomAD compares: African/African-American, 0.0013%; no homozygotes.

Submissions (4):

ClinGen Hearing Loss Variant Curation Expert Panel
Classification: Likely pathogenic for Usher syndrome. Last evaluated: 2024-11-26. Review status: reviewed by expert panel. Criteria: Clingen Hl Acmg Specifications Cdh23 Coch Gjb2 Kcnq4 Myo6 Myo7a Slc26a4 Tecta Ush2a V2. Collection method: curation. Allele origin: germline. Inheritance: Autosomal recessive inheritance.
Comment: The c.4115T>G variant in MYO7A is a missense variant predicted to cause substitution of valine by glycine at amino acid 1372. The highest population minor allele frequency in gnomAD v4.1.0 is 0.00001332 (1/75054 alleles) in the African/African-American population, which is lower than the ClinGen Hearing Loss VCEP threshold (<0.00007) for PM2_Supporting, meeting this criterion (PM2_Supporting). The computational predictor REVEL gives a score of 0.869, which is above the threshold of 0.7, evidence that correlates with impact to MYO7A function (PP3). At least one patient with this variant displayed congenital sensorineural hearing loss, delayed gross motor development, and rod-cone dystrophy, which is highly specific for Usher syndrome (PP4, PMID: 31836858). This individual was compound heterozygous for the variant and a pathogenic variant published by multiple submitters in ClinVar (c.6025del (p.Ala2009Profs*32)) and confirmed in trans by parental testing (1 PM3 point, PMID: 31836858). A different missense variant in the same codon (c.4114G>A (p.Val1372Met), PMID: 33576163), has been reported in the homozygous state in a patient with hearing loss and retinitis pigmentosa. However, this other variant has not yet met the criteria to be classified as pathogenic or likely pathogenic by the ClinGen Hearing loss VCEP (PM5_Supporting). In summary, this variant has been classified as a likely pathogenic variant for autosomal recessive Usher syndrome based on the ACMG/AMP criteria applied, as specified by the ClinGen Hearing Loss VCEP: PM3, PP3, PP4, PM2_Supporting, PM5_Supporting (ClinGen Hearing Loss VCEP specifications version 2; 11/26/2024).

Labcorp Genetics (formerly Invitae), Labcorp
Classification: Likely pathogenic. Last evaluated: 2022-06-06. Review status: criteria provided, single submitter. Criteria: Invitae Variant Classification Sherloc (09022015). Collection method: clinical testing. Allele origin: germline. Not counted in ClinVar's aggregate classification.
Comment: This sequence change replaces valine, which is neutral and non-polar, with glycine, which is neutral and non-polar, at codon 1372 of the MYO7A protein (p.Val1372Gly). This variant is not present in population databases (gnomAD no frequency). This missense change has been observed in individual(s) with Usher syndrome (PMID: 26872967, 31836858). In at least one individual the data is consistent with being in trans (on the opposite chromosome) from a pathogenic variant. ClinVar contains an entry for this variant (Variation ID: 224749). Algorithms developed to predict the effect of missense changes on protein structure and function are either unavailable or do not agree on the potential impact of this missense change (SIFT: "Deleterious"; PolyPhen-2: "Possibly Damaging"; Align-GVGD: "Class C0"). Algorithms developed to predict the effect of sequence changes on RNA splicing suggest that this variant may create or strengthen a splice site. This variant disrupts the p.Val1372 amino acid residue in MYO7A. Other variant(s) that disrupt this residue have been observed in individuals with MYO7A-related conditions (PMID: 26872967, 31836858, 33576163), which suggests that this may be a clinically significant amino acid residue. In summary, the currently available evidence indicates that the variant is pathogenic, but additional data are needed to prove that conclusively. Therefore, this variant has been classified as Likely Pathogenic.

Centre for Genomic Medicine, Manchester, Central Manchester University Hospitals
Classification: Likely pathogenic for Usher syndrome type 1. Last evaluated: 2015-01-30. Review status: no assertion criteria provided. Collection method: clinical testing. Allele origin: germline. Affected: yes. Not counted in ClinVar's aggregate classification.

Centre for Genomic Medicine, Manchester, Central Manchester University Hospitals
Classification: Uncertain significance for Retinal dystrophy. Review status: no assertion criteria provided. Collection method: clinical testing. Allele origin: germline. Affected: yes. Not counted in ClinVar's aggregate classification.

Literature cited by the submitters: PubMed 26872967 (cited by Labcorp Genetics (formerly Invitae), Labcorp and Centre for Genomic Medicine, Manchester, Central Manchester University Hospitals); PubMed 31836858 (cited by Labcorp Genetics (formerly Invitae), Labcorp); PubMed 33576163 (cited by Labcorp Genetics (formerly Invitae), Labcorp).

NM_000260.4(MYO7A):c.4115T>G (p.Val1372Gly)

Gene: MYO7A (myosin VIIA; plus strand). Cytogenetic location: 11q13.5.
Variant type: single nucleotide variant.
Coding change: c.4115T>G on transcript NM_000260.4 (MANE Select); coding-DNA position 4115, T replaced by G.
Protein change: p.Val1372Gly; replaces valine 1372 with glycine.
Molecular consequence: missense variant.
Genome position (GRCh38, 1-based): chr11:77,192,241, T>G. VCF-style: chr11-77192241-T-G. GRCh37 (hg19) VCF-style: chr11-76903286-T-G.
Other names: c.4115T>G, p.Val1372Gly (NM_001127180.2); c.4082T>G, p.Val1361Gly (NM_001369365.1); short protein forms V1372G, V1361G.
Identifiers: ClinVar variation 224749 (VCV000224749.9), dbSNP rs869312181, ClinGen allele CA353603.